The following is an entry in ClinVar:

NM_001256071.3(RNF213):c.759C>T (p.Pro253=)

Gene: RNF213 (ring finger protein 213; plus strand). Cytogenetic location: 17q25.3.
Variant type: single nucleotide variant.
Coding change: c.759C>T on transcript NM_001256071.3 (MANE Select); coding-DNA position 759, C replaced by T.
Protein change: p.Pro253=; no amino-acid change (proline 253 retained).
Molecular consequence: synonymous variant.
Genome position (GRCh38, 1-based): chr17:80,288,312, C>T. VCF-style: chr17-80288312-C-T. GRCh37 (hg19) VCF-style: chr17-78262111-C-T.
Other names: c.906C>T, p.Pro302= (NM_001410195.1, NM_020914.5); c.759C>T, p.Pro253= (NM_020954.4).
Identifiers: ClinVar variation 3605295 (VCV003605295.10).

ClinVar aggregate classification (germline): Likely benign. Review status: criteria provided, multiple submitters, no conflicts (2 of 4 stars). 2 submissions from 2 submitters: Likely benign (2). Last evaluated 2025-07-01.

Submissions (2):

CeGaT Center for Human Genetics Tuebingen
Classification: Likely benign. Last evaluated: 2025-07-01. Review status: criteria provided, single submitter. Criteria: CeGaT Center For Human Genetics Tuebingen Variant Classification Criteria Version 2. Collection method: clinical testing. Allele origin: germline. Affected: yes. Observed: 1 variant allele.
Comment: RNF213: BP4, BP7

Labcorp Genetics (formerly Invitae), Labcorp
Classification: Likely benign. Last evaluated: 2024-12-16. Review status: criteria provided, single submitter. Criteria: Invitae Variant Classification Sherloc (09022015). Collection method: clinical testing. Allele origin: germline.